The following is an entry in ClinVar:

ClinVar aggregate classification (germline): Benign/Likely benign. Review status: criteria provided, multiple submitters, no conflicts (2 of 4 stars). 8 submissions from 8 submitters: Benign (1); Likely benign (6). 1 of the submissions does not count toward it. Last evaluated 2025-10-27.

Conditions:
KCNQ1-related disorder. Also called: KCNQ1-related disorders; KCNQ1-related condition. Identifiers: MedGen CN239322.
Cardiovascular phenotype. Identifiers: MedGen CN230736.
Cardiac arrhythmia. Also called: Cardiac rhythm disease; Arrhythmia. Identifiers: MedGen C0003811, MONDO:0007263, HP:0011675.
Long QT syndrome (LQTS). Identifiers: MedGen C0023976, MeSH D008133, MONDO:0002442. Disease mechanism: loss of function. Inheritance: Various modes of inheritance.

Allele frequency attached by ClinVar (database versions not stated): ExAC 0.00001; gnomAD exomes 0.00001; gnomAD 0.00002; TOPMed 0.00002.
gnomAD v4.1: 57 of 1,613,092 alleles (0.0035%); highest among the groups gnomAD compares: East Asian, 0.0067%; no homozygotes.

Submissions (8):

Labcorp Genetics (formerly Invitae), Labcorp
Classification: Likely benign for Long QT syndrome. Last evaluated: 2025-10-27. Review status: criteria provided, single submitter. Criteria: Invitae Variant Classification Sherloc (09022015). Collection method: clinical testing. Allele origin: germline.

Blueprint Genetics
Classification: Likely benign. Last evaluated: 2024-05-09. Review status: criteria provided, single submitter. Criteria: ACMG Guidelines, 2015. Collection method: clinical testing. Allele origin: germline.

All of Us Research Program, National Institutes of Health
Classification: Likely benign for Long QT syndrome. Last evaluated: 2023-11-28. Review status: criteria provided, single submitter. Criteria: ACMG Guidelines, 2015. Collection method: clinical testing. Allele origin: germline. Inheritance: Autosomal dominant inheritance. Observed: 3 variant alleles, 3 heterozygotes.
Comment: This study involves interpretation of variants in research participants for the purpose of population health screening. Participant phenotype was not available at the time of variant classification. Additional details can be found in publication PMID: 35346344, PMCID: PMC8962531

Women's Health and Genetics/Laboratory Corporation of America, LabCorp
Classification: Likely benign. Last evaluated: 2019-08-28. Review status: criteria provided, single submitter. Criteria: LabCorp Variant Classification Summary - May 2015. Collection method: clinical testing. Allele origin: germline.

Color Diagnostics, LLC DBA Color Health
Classification: Likely benign for Arrhythmia. Last evaluated: 2019-02-01. Review status: criteria provided, single submitter. Criteria: ACMG Guidelines, 2015. Collection method: clinical testing. Allele origin: germline.

Ambry Genetics
Classification: Likely benign for Cardiovascular phenotype. Last evaluated: 2015-11-17. Review status: criteria provided, single submitter. Criteria: Ambry Variant Classification Scheme 2023. Collection method: clinical testing. Allele origin: germline.

GeneDx
Classification: Benign. Last evaluated: 2015-03-03. Review status: criteria provided, single submitter. Criteria: GeneDx Variant Classification Process June 2021. Collection method: clinical testing. Allele origin: germline. Affected: yes.

PreventionGenetics, part of Exact Sciences
Classification: Likely benign for KCNQ1-related condition. Last evaluated: 2019-07-23. Review status: no assertion criteria provided. Collection method: clinical testing. Allele origin: germline. Not counted in ClinVar's aggregate classification.
Comment: This variant is classified as likely benign based on ACMG/AMP sequence variant interpretation guidelines (Richards et al. 2015 PMID: 25741868, with internal and published modifications).

NM_000218.3(KCNQ1):c.642C>T (p.Cys214=)

Gene: KCNQ1 (potassium voltage-gated channel subfamily Q member 1; plus strand). Cytogenetic location: 11p15.5.
Variant type: single nucleotide variant.
Coding change: c.642C>T on transcript NM_000218.3 (MANE Select); coding-DNA position 642, C replaced by T.
Protein change: p.Cys214=; no amino-acid change (cysteine 214 retained).
Molecular consequence: synonymous variant. On other transcripts: intron variant (1).
Genome position (GRCh38, 1-based): chr11:2,571,362, C>T. VCF-style: chr11-2571362-C-T. GRCh37 (hg19) VCF-style: chr11-2592592-C-T.
Other names: c.642C>T, p.Cys214= (NM_001406836.1); c.372C>T, p.Cys124= (NM_001406837.1); c.261C>T, p.Cys87= (NM_181798.2); c.478-12073C>T (NM_001406838.1).
Identifiers: ClinVar variation 264508 (VCV000264508.24), dbSNP rs775479779, ClinGen allele CA039295.